The following is an entry in ClinVar:

NM_001267550.2(TTN):c.69231T>C (p.Leu23077=)

Genes: TTN (titin; minus strand), TTN-AS1 (TTN antisense RNA 1; plus strand). Cytogenetic location: 2q31.2.
Variant type: single nucleotide variant.
Coding change: c.69231T>C on transcript NM_001267550.2 (MANE Select); coding-DNA position 69231, T replaced by C.
Protein change: p.Leu23077=; no amino-acid change (leucine 23077 retained).
Molecular consequence: synonymous variant.
Genome position (GRCh38, 1-based): chr2:178,577,104, A>G on the plus strand (T>C on the coding strand, the complement: TTN is on the minus strand). VCF-style: chr2-178577104-A-G. GRCh37 (hg19) VCF-style: chr2-179441831-A-G.
Other names: c.42411T>C, p.Leu14137= (NM_133432.3); c.42612T>C, p.Leu14204= (NM_133437.4); c.64308T>C, p.Leu21436= (NM_001256850.1); c.42036T>C, p.Leu14012= (NM_003319.4); c.61527T>C, p.Leu20509= (NM_133378.4).
Identifiers: ClinVar variation 227141 (VCV000227141.33), dbSNP rs12615797, ClinGen allele CA1990961.

ClinVar aggregate classification (germline): Benign/Likely benign. Review status: criteria provided, multiple submitters, no conflicts (2 of 4 stars). 19 submissions from 12 submitters: Benign (12); Likely benign (6). 1 of the submissions does not count toward it. Last evaluated 2026-09-21.

Conditions:
TTN-related disorder. Also called: TTN-related disorders; TTN-related condition; TTN-related disease.
Cardiomyopathy (CMYO). Also called: Cardiomyopathies. Identifiers: Orphanet 167848, MedGen C0878544, MONDO:0004994, HP:0001638. Inheritance: Various modes of inheritance.
Cardiovascular phenotype. Identifiers: MedGen CN230736.
Autosomal recessive limb-girdle muscular dystrophy type 2J (LGMDR10). Also called: Limb-girdle muscular dystrophy, type 2J; MUSCULAR DYSTROPHY, LIMB-GIRDLE, AUTOSOMAL RECESSIVE 10. Identifiers: Orphanet 140922, MedGen C1837342, MONDO:0012127, OMIM 608807.
Dilated cardiomyopathy 1G (CMD1G). Identifiers: Orphanet 154, MedGen C1858763, MONDO:0011400, OMIM 604145.
Early-onset myopathy with fatal cardiomyopathy (CMYO5). Also called: Salih Myopathy; CONGENITAL MYOPATHY 5 WITH CARDIOMYOPATHY. Identifiers: Orphanet 289377, MedGen C2673677, MONDO:0012714, OMIM 611705. Disease mechanism: loss of function.
Myopathy, myofibrillar, 9, with early respiratory failure (MFM9). Also called: Hereditary myopathy with early respiratory failure; MYOPATHY, PROXIMAL, WITH EARLY RESPIRATORY MUSCLE INVOLVEMENT; EDSTROM MYOPATHY; Myopathy, distal, with early respiratory failure, autosomal dominant. Identifiers: Orphanet 178464, Orphanet 34521, MedGen C1863599, MONDO:0011362, OMIM 603689.
Tibial muscular dystrophy (TMD). Also called: UDD MYOPATHY; Udd Distal Myopathy – Tibial Muscular Dystrophy; Tibial muscular dystrophy, tardive. Identifiers: Orphanet 609, MedGen C1838244, MONDO:0010870, OMIM 600334.

Allele frequency attached by ClinVar (database versions not stated): gnomAD exomes 0.00042 and 0.00114; gnomAD 0.00059 and 0.00038; 1000 Genomes Project 0.00319; TOPMed 0.00079; ExAC 0.00125; 1000 Genomes Project 30x 0.00281.

Submissions (19):

Molecular Diagnostic Laboratory for Inherited Cardiovascular Disease, Montreal Heart Institute
Classification: Benign. Last evaluated: 2026-09-21. Review status: criteria provided, single submitter. Criteria: ACMG Guidelines, 2015. Collection method: clinical testing. Allele origin: germline. Affected: no.
Comment: BS1;BP1

Labcorp Genetics (formerly Invitae), Labcorp
Classification: Benign for Dilated cardiomyopathy 1G; Autosomal recessive limb-girdle muscular dystrophy type 2J. Last evaluated: 2026-01-25. Review status: criteria provided, single submitter. Criteria: Invitae Variant Classification Sherloc (09022015). Collection method: clinical testing. Allele origin: germline.

Blueprint Genetics
Classification: Likely benign. Last evaluated: 2024-10-23. Review status: criteria provided, single submitter. Criteria: ACMG Guidelines, 2015. Collection method: clinical testing. Allele origin: germline.

Women's Health and Genetics/Laboratory Corporation of America, LabCorp
Classification: Benign. Last evaluated: 2023-06-10. Review status: criteria provided, single submitter. Criteria: LabCorp Variant Classification Summary - May 2015. Collection method: clinical testing. Allele origin: germline.

Genome-Nilou Lab
Classification: Benign for Autosomal recessive limb-girdle muscular dystrophy type 2J. Last evaluated: 2021-09-10. Review status: criteria provided, single submitter. Criteria: ACMG Guidelines, 2015. Collection method: clinical testing. Allele origin: germline. Affected: no.

Genome-Nilou Lab
Classification: Benign for Myopathy, myofibrillar, 9, with early respiratory failure. Last evaluated: 2021-09-10. Review status: criteria provided, single submitter. Criteria: ACMG Guidelines, 2015. Collection method: clinical testing. Allele origin: germline. Affected: no.

Genome-Nilou Lab
Classification: Benign for Early-onset myopathy with fatal cardiomyopathy. Last evaluated: 2021-09-10. Review status: criteria provided, single submitter. Criteria: ACMG Guidelines, 2015. Collection method: clinical testing. Allele origin: germline. Affected: no.

Genome-Nilou Lab
Classification: Benign for Tibial muscular dystrophy. Last evaluated: 2021-09-10. Review status: criteria provided, single submitter. Criteria: ACMG Guidelines, 2015. Collection method: clinical testing. Allele origin: germline. Affected: no.

Athena Diagnostics
Classification: Benign. Last evaluated: 2020-09-09. Review status: criteria provided, single submitter. Criteria: Athena Diagnostics criteria. Collection method: clinical testing. Allele origin: unknown.

GeneDx
Classification: Likely benign. Last evaluated: 2020-02-06. Review status: criteria provided, single submitter. Criteria: GeneDx Variant Classification Process June 2021. Collection method: clinical testing. Allele origin: germline. Affected: yes.
Comment: This variant is associated with the following publications: (PMID: 17344846)

Illumina Laboratory Services, Illumina
Classification: Benign for Tibial muscular dystrophy. Last evaluated: 2018-01-13. Review status: criteria provided, single submitter. Criteria: ICSL Variant Classification Criteria 13 December 2019. Collection method: clinical testing. Allele origin: germline.
Comment: This variant was observed in the ICSL laboratory as part of a predisposition screen in an ostensibly healthy population. It had not been previously curated by ICSL or reported in the Human Gene Mutation Database (HGMD: prior to June 1st, 2018), and was therefore a candidate for classification through an automated scoring system. Utilizing variant allele frequency, disease prevalence and penetrance estimates, and inheritance mode, an automated score was calculated to assess if this variant is too frequent to cause the disease. Based on the score and internal cut-off values, a variant classified as benign is not then subjected to further curation. The score for this variant resulted in a classification of benign for this disease.

Illumina Laboratory Services, Illumina
Classification: Likely benign for Early-onset myopathy with fatal cardiomyopathy. Last evaluated: 2018-01-13. Review status: criteria provided, single submitter. Criteria: ICSL Variant Classification Criteria 13 December 2019. Collection method: clinical testing. Allele origin: germline.
Comment: This variant was observed in the ICSL laboratory as part of a predisposition screen in an ostensibly healthy population. It had not been previously curated by ICSL or reported in the Human Gene Mutation Database (HGMD: prior to June 1st, 2018), and was therefore a candidate for classification through an automated scoring system. Utilizing variant allele frequency, disease prevalence and penetrance estimates, and inheritance mode, an automated score was calculated to assess if this variant is too frequent to cause the disease. Based on the score and internal cut-off values, a variant classified as likely benign is not then subjected to further curation. The score for this variant resulted in a classification of likely benign for this disease.

Illumina Laboratory Services, Illumina
Classification: Benign for Myopathy, myofibrillar, 9, with early respiratory failure. Last evaluated: 2018-01-13. Review status: criteria provided, single submitter. Criteria: ICSL Variant Classification Criteria 13 December 2019. Collection method: clinical testing. Allele origin: germline.
Comment: the same text as in the submission from Illumina Laboratory Services, Illumina above.

Illumina Laboratory Services, Illumina
Classification: Likely benign for Dilated cardiomyopathy 1G. Last evaluated: 2018-01-13. Review status: criteria provided, single submitter. Criteria: ICSL Variant Classification Criteria 13 December 2019. Collection method: clinical testing. Allele origin: germline.
Comment: the same text as in the submission from Illumina Laboratory Services, Illumina above.

Illumina Laboratory Services, Illumina
Classification: Likely benign for Autosomal recessive limb-girdle muscular dystrophy type 2J. Last evaluated: 2018-01-13. Review status: criteria provided, single submitter. Criteria: ICSL Variant Classification Criteria 13 December 2019. Collection method: clinical testing. Allele origin: germline.
Comment: the same text as in the submission from Illumina Laboratory Services, Illumina above.

CHEO Genetics Diagnostic Laboratory, Children's Hospital of Eastern Ontario
Classification: Likely benign for Cardiomyopathy. Last evaluated: 2017-01-23. Review status: criteria provided, single submitter. Criteria: ACMG Guidelines, 2015. Collection method: clinical testing. Allele origin: germline. Study: Canadian Open Genetics Repository.

Ambry Genetics
Classification: Benign for Cardiovascular phenotype. Last evaluated: 2016-04-25. Review status: criteria provided, single submitter. Criteria: Ambry Variant Classification Scheme 2023. Collection method: clinical testing. Allele origin: germline.

Laboratory for Molecular Medicine, Mass General Brigham Personalized Medicine
Classification: Benign. Last evaluated: 2015-06-25. Review status: criteria provided, single submitter. Criteria: LMM Criteria. Collection method: clinical testing. Allele origin: germline. Observed: 2 variant alleles.
Comment: p.Leu20509Leu in exon 273 of TTN: This variant is not expected to have clinical significance because it has been identified in 1.8% (149/8458) of East Asian chr omosomes by the Exome Aggregation Consortium (ExAC, rg; dbSNP rs12615797).

PreventionGenetics, part of Exact Sciences
Classification: Benign for TTN-related condition. Last evaluated: 2024-03-25. Review status: no assertion criteria provided. Collection method: clinical testing. Allele origin: germline. Not counted in ClinVar's aggregate classification.
Comment: This variant is classified as benign based on ACMG/AMP sequence variant interpretation guidelines (Richards et al. 2015 PMID: 25741868, with internal and published modifications).